The following is an entry in ClinVar:

NM_001033855.3(DCLRE1C):c.1959del (p.Ser655fs)

Gene: DCLRE1C (DNA cross-link repair 1C; minus strand). Cytogenetic location: 10p13.
Variant type: Deletion.
Coding change: c.1959del on transcript NM_001033855.3 (MANE Select); coding-DNA position 1959, one base deleted (T; older notation c.1959delT).
Protein change: p.Ser655fs; shifts the reading frame from serine 655.
Molecular consequence: frameshift variant. On other transcripts: non-coding transcript variant (3), intron variant (3).
Genome position (GRCh38, 1-based): chr10:14,908,528, A deleted on the plus strand (T on the coding strand, the reverse complement: DCLRE1C is on the minus strand); the first of 2 consecutive A bases (chr10:14,908,528-14,908,529); deleting either gives the same sequence. VCF-style (leftmost placement, unchanged base first): chr10-14908527-GA-G. GRCh37 (hg19) VCF-style: chr10-14950526-GA-G.
Other names: c.1599del, p.Ser535fs (NM_001033857.3, NM_001033858.3, NM_001289077.2 and 1 more transcripts); c.1614del, p.Ser540fs (NM_001289076.2, NM_001289078.2, NM_022487.4); c.1437+177del (NM_001350966.2); c.1782+177del (NM_001350965.2); c.1422+177del (NM_001350967.2); short protein forms S535fs, S540fs, S655fs.
Identifiers: ClinVar variation 1002943 (VCV001002943.6), dbSNP rs1834692330, ClinGen allele CA1892355728.

ClinVar aggregate classification (germline): Uncertain significance (1 of 4 stars; one submission).

Conditions:
Severe combined immunodeficiency due to DCLRE1C deficiency (RS-SCID). Also called: SCID, AUTOSOMAL RECESSIVE, T CELL-NEGATIVE, B CELL-NEGATIVE, NK CELL-POSITIVE, WITH SENSITIVITY TO IONIZING RADIATION. Identifiers: Orphanet 275, MedGen C1865371, MONDO:0011225, OMIM 602450.

Submission:

Labcorp Genetics (formerly Invitae), Labcorp
Classification: Uncertain significance for Athabaskan severe combined immunodeficiency. Last evaluated: 2022-04-15. Review status: criteria provided, single submitter. Criteria: Invitae Variant Classification Sherloc (09022015). Collection method: clinical testing. Allele origin: germline.
Comment: In summary, the available evidence is currently insufficient to determine the role of this variant in disease. Therefore, it has been classified as a Variant of Uncertain Significance. Experimental studies and prediction algorithms are not available or were not evaluated, and the functional significance of this variant is currently unknown. ClinVar contains an entry for this variant (Variation ID: 1002943). This variant has not been reported in the literature in individuals affected with DCLRE1C-related conditions. This variant is not present in population databases (gnomAD no frequency). This sequence change creates a premature translational stop signal (p.Ser655Glnfs*26) in the DCLRE1C gene. While this is not anticipated to result in nonsense mediated decay, it is expected to disrupt the last 38 amino acid(s) of the DCLRE1C protein.